The following is an entry in ClinVar:

NM_000352.6(ABCC8):c.1913A>C (p.Tyr638Ser)

Gene: ABCC8 (ATP binding cassette subfamily C member 8; minus strand). Cytogenetic location: 11p15.1.
Variant type: single nucleotide variant.
Coding change: c.1913A>C on transcript NM_000352.6 (MANE Select); coding-DNA position 1913, A replaced by C.
Protein change: p.Tyr638Ser; replaces tyrosine 638 with serine.
Molecular consequence: missense variant. On other transcripts: non-coding transcript variant (1).
Genome position (GRCh38, 1-based): chr11:17,428,575, T>G on the plus strand (A>C on the coding strand, the complement: ABCC8 is on the minus strand). VCF-style: chr11-17428575-T-G. GRCh37 (hg19) VCF-style: chr11-17450122-T-G.
Other names: c.1913A>C, p.Tyr638Ser (NM_001287174.3, NM_001351295.2); c.1910A>C, p.Tyr637Ser (NM_001351296.2, NM_001351297.2); short protein forms Y637S, Y638S.
Identifiers: ClinVar variation 2502222 (VCV002502222.2), dbSNP rs2496671097, ClinGen allele CA379815572.
Genomic context (GRCh38, chr11:17,428,575, plus strand): 5'-GGGCCTTAGAGGACCATGCTGGGAGTAGCAAGGGGAGGCCGGGCACTCACCACCGCCTGG[T>G]ACTTGCTGGCTGGGCCCTGAGGTGTGGGCTCATGGGGGGCACACTGCTCCTCACGGATCT-3'
Protein context (NP_000343.2, residues 628-648): EPTPQGPASK[Tyr638Ser]QAVPLRVVNR

ClinVar aggregate classification (germline): Uncertain significance (1 of 4 stars; one submission).

Conditions:
Hyperinsulinemic hypoglycemia, familial, 1 (HHF1). Also called: NESIDIOBLASTOSIS OF PANCREAS; HYPERINSULINISM, FAMILIAL, WITH PANCREATIC NESIDIOBLASTOSIS; HYPOGLYCEMIA, HYPERINSULINEMIC, OF INFANCY; Persistent hyperinsulinemic hypoglycemia of infancy; Persistent Hyperinsulinemia Hypoglycemia of Infancy. Identifiers: Orphanet 276575, Orphanet 276598, MedGen C2931832, MONDO:0009734, OMIM 256450.

Submission:

New York Genome Center
Classification: Uncertain significance for Type 2 diabetes mellitus; Hyperinsulinemic hypoglycemia, familial, 1. Last evaluated: 2022-01-31. Review status: criteria provided, single submitter. Criteria: NYGC Assertion Criteria 2020. Collection method: clinical testing. Allele origin: germline. Observed: 1 heterozygote.
Comment: The c.1913A>C (p.Tyr638Ser) missense variant identified in the ABCC8 gene has not been reported in affected individuals in the literature. The variant has not been reported in the gnomAD(v3) database, suggesting it is not a common benign variant in the populations represented in that database. The variant affects a moderately evolutionarily conserved residue in the exon 13 of the ABCC8 gene and is predicted “neutral” by multiple in silico prediction tools (CADD score = 23.9, REVEL score = 0.318). Given the lack of compelling evidence for its pathogenicity, the heterozygous c.1913A>C (p.Tyr638Ser) variant identified in the ABCC8 gene is reported as a Variant of Uncertain Significance.